The following is an entry in ClinVar:

ClinVar aggregate classification (germline): Uncertain significance (1 of 4 stars; one submission).

gnomAD v4.1: 13 of 1,613,568 alleles (0.00081%); highest among the groups gnomAD compares: Non-Finnish European, 0.00093%; no homozygotes.

Submission:

Women's Health and Genetics/Laboratory Corporation of America, LabCorp
Classification: Uncertain significance. Last evaluated: 2025-12-29. Review status: criteria provided, single submitter. Criteria: LabCorp Variant Classification Summary - May 2015. Collection method: clinical testing. Allele origin: germline.
Comment: Variant summary: ABCB4 c.2064+3A>G alters a conserved nucleotide located close to a canonical splice site and therefore could affect mRNA splicing, leading to a significantly altered protein sequence. Computational tools predict a significant impact on normal splicing: Two predict the variant weakens a canonical 5' donor site. One predict the variant has no significant impact on splicing. However, these predictions have yet to be confirmed by functional studies. The variant allele was found at a frequency of 8e-06 in 250936 control chromosomes (gnomAD). The available data on variant occurrences in the general population are insufficient to allow any conclusion about variant significance. To our knowledge, no occurrence of c.2064+3A>G in individuals affected with ABCB4-related conditions and no experimental evidence demonstrating its impact on protein function have been reported. No submitters have cited clinical-significance assessments for this variant to ClinVar. Based on the evidence outlined above, the variant was classified as uncertain significance.

NM_000443.4(ABCB4):c.2064+3A>G

Gene: ABCB4 (ATP binding cassette subfamily B member 4; minus strand). Cytogenetic location: 7q21.12.
Variant type: single nucleotide variant.
Coding change: c.2064+3A>G on transcript NM_000443.4 (MANE Select); 3 bases into the intron after coding-DNA position 2064, A replaced by G.
Molecular consequence: intron variant.
Genome position (GRCh38, 1-based): chr7:87,426,747, T>C on the plus strand (A>G on the coding strand, the complement: ABCB4 is on the minus strand). VCF-style: chr7-87426747-T-C. GRCh37 (hg19) VCF-style: chr7-87056063-T-C.
Other names: c.2064+3A>G (NM_018850.3, NM_018849.3).
Identifiers: ClinVar variation 4688741 (VCV004688741.1).